The following is an entry in ClinVar:

NM_001267550.2(TTN):c.36322T>A (p.Ser12108Thr)

Gene: TTN (titin; minus strand). Cytogenetic location: 2q31.2.
Variant type: single nucleotide variant.
Coding change: c.36322T>A on transcript NM_001267550.2 (MANE Select); coding-DNA position 36322, T replaced by A.
Protein change: p.Ser12108Thr; replaces serine 12108 with threonine.
Molecular consequence: missense variant. On other transcripts: intron variant (5).
Genome position (GRCh38, 1-based): chr2:178,664,057, A>T on the plus strand (T>A on the coding strand, the complement: TTN is on the minus strand). VCF-style: chr2-178664057-A-T. GRCh37 (hg19) VCF-style: chr2-179528784-A-T.
Other names: c.13283-21740T>A (NM_003319.4); c.13859-21740T>A (NM_133437.4); c.13658-21740T>A (NM_133432.3); c.31484-1002T>A (NM_133378.4); c.34265-1002T>A (NM_001256850.1); short protein forms S12108T.
Identifiers: ClinVar variation 467068 (VCV000467068.5), dbSNP rs989137248, ClinGen allele CA60974225.
Genomic context (GRCh38, chr2:178,664,057, plus strand): 5'-AAAGTCAGTGACAAATACCTTTAACAGGTGGGACTTCAGGCTTTTTAGGAGGCACCACCG[A>T]CACTTTCTTTTCAGGGATAATCTCTTTGGGAGCTTCGTGCACTTGAAAGATATTAGTATT-3'
Protein context (NP_001254479.2, residues 12098-12118): PKEIIPEKKV[Ser12108Thr]VVPPKKPEVP

ClinVar aggregate classification (germline): Uncertain significance. Review status: criteria provided, multiple submitters, no conflicts (2 of 4 stars). 2 submissions from 2 submitters: Uncertain significance (2). Last evaluated 2026-04-01.

Conditions:
Dilated cardiomyopathy 1G (CMD1G). Identifiers: Orphanet 154, MedGen C1858763, MONDO:0011400, OMIM 604145.
Autosomal recessive limb-girdle muscular dystrophy type 2J (LGMDR10). Also called: Limb-girdle muscular dystrophy, type 2J; MUSCULAR DYSTROPHY, LIMB-GIRDLE, AUTOSOMAL RECESSIVE 10. Identifiers: Orphanet 140922, MedGen C1837342, MONDO:0012127, OMIM 608807.

Allele frequency attached by ClinVar (database versions not stated): gnomAD exomes below 0.00001 and 0.00001; gnomAD 0.00001; TOPMed 0.00001.
gnomAD v4.1: 9 of 1,613,050 alleles (0.00056%); highest among the groups gnomAD compares: Admixed American, 0.0067%; no homozygotes.

Submissions (2):

CeGaT Center for Human Genetics Tuebingen
Classification: Uncertain significance. Last evaluated: 2026-04-01. Review status: criteria provided, single submitter. Criteria: CeGaT Center For Human Genetics Tuebingen Variant Classification Criteria Version 2. Collection method: clinical testing. Allele origin: germline. Affected: yes. Observed: 1 variant allele.
Comment: TTN: PM2, BP4

Labcorp Genetics (formerly Invitae), Labcorp
Classification: Uncertain significance for Dilated cardiomyopathy 1G; Autosomal recessive limb-girdle muscular dystrophy type 2J. Last evaluated: 2017-10-31. Review status: criteria provided, single submitter. Criteria: Invitae Variant Classification Sherloc (09022015). Collection method: clinical testing. Allele origin: germline.